The following is an entry in ClinVar:

NM_000138.5(FBN1):c.3590-17_3590-15del

Gene: FBN1 (fibrillin 1; minus strand). Cytogenetic location: 15q21.1.
Variant type: Microsatellite.
Coding change: c.3590-17_3590-15del on transcript NM_000138.5 (MANE Select); 17 bases into the intron before coding-DNA position 3590 through 15 bases into the intron before coding-DNA position 3590, 3 bases deleted (ATT; older notation c.3590-17_3590-15delATT).
Molecular consequence: intron variant.
Genome position (GRCh38, 1-based): chr15:48,485,511-48,485,513, AAT deleted on the plus strand (ATT on the coding strand, the reverse complement: FBN1 is on the minus strand); deleting any 3 consecutive bases within chr15:48,485,511-48,485,517 gives the same sequence; the c. name uses the placement nearest the transcript's 3' end. VCF-style (leftmost placement, unchanged base first): chr15-48485510-AAAT-A. GRCh37 (hg19) VCF-style: chr15-48777707-AAAT-A.
Other names: c.3590-17_3590-15delATT (NM_000138.5).
Identifiers: ClinVar variation 2160172 (VCV002160172.6), dbSNP rs1372563342, ClinGen allele CA617835727.

ClinVar aggregate classification (germline): Likely benign. Review status: criteria provided, multiple submitters, no conflicts (2 of 4 stars). 3 submissions from 3 submitters: Likely benign (3). Last evaluated 2025-09-22.

Conditions:
Familial thoracic aortic aneurysm and aortic dissection (TAAD). Also called: Thoracic aortic aneurysms and dissections. Identifiers: Orphanet 91387, MedGen C4707243, MONDO:0019625.
Marfan syndrome (MFS). Also called: MARFAN SYNDROME, TYPE I; Marfan syndrome type 1; Marfan's syndrome; Marfan syndrome, classic; FBN1-Related Marfan Syndrome. Identifiers: Orphanet 284963, Orphanet 558, MedGen C0024796, MONDO:0007947, OMIM 154700.

Submissions (3):

Color Diagnostics, LLC DBA Color Health
Classification: Likely benign for Familial thoracic aortic aneurysm and aortic dissection. Last evaluated: 2025-09-22. Review status: criteria provided, single submitter. Criteria: ACMG Guidelines, 2015. Collection method: clinical testing. Allele origin: germline.

Labcorp Genetics (formerly Invitae), Labcorp
Classification: Likely benign for Marfan syndrome; Familial thoracic aortic aneurysm and aortic dissection. Last evaluated: 2025-05-12. Review status: criteria provided, single submitter. Criteria: Invitae Variant Classification Sherloc (09022015). Collection method: clinical testing. Allele origin: germline.

Women's Health and Genetics/Laboratory Corporation of America, LabCorp
Classification: Likely benign. Last evaluated: 2024-12-19. Review status: criteria provided, single submitter. Criteria: LabCorp Variant Classification Summary - May 2015. Collection method: clinical testing. Allele origin: germline.
Comment: Variant summary: FBN1 c.3590-17_3590-15delATT alters a conserved nucleotide located at a position not widely known to affect splicing. Consensus agreement among computation tools predict no significant impact on normal splicing. However, these predictions have yet to be confirmed by functional studies. The variant allele was found at a frequency of 4e-06 in 251232 control chromosomes. The available data on variant occurrences in the general population are insufficient to allow any conclusion about variant significance. To our knowledge, no occurrence of c.3590-17_3590-15delATT in individuals affected with Marfan Syndrome and no experimental evidence demonstrating its impact on protein function have been reported. ClinVar contains an entry for this variant (Variation ID: 2160172). Based on the evidence outlined above, the variant was classified as likely benign.